The following is an entry in ClinVar:

ClinVar aggregate classification (germline): Uncertain significance (1 of 4 stars; one submission).

Conditions:
Hereditary hyperekplexia. Identifiers: Orphanet 3197, MedGen C4084968, MONDO:0021022.

Allele frequency attached by ClinVar (database versions not stated): gnomAD exomes below 0.00001; gnomAD 0.00001.
gnomAD v4.1: 6 of 1,613,724 alleles (0.00037%); highest among the groups gnomAD compares: South Asian, 0.0055%; no homozygotes.

Submission:

Labcorp Genetics (formerly Invitae), Labcorp
Classification: Uncertain significance for Hereditary hyperekplexia. Last evaluated: 2024-01-31. Review status: criteria provided, single submitter. Criteria: Invitae Variant Classification Sherloc (09022015). Collection method: clinical testing. Allele origin: germline.
Comment: This sequence change replaces lysine, which is basic and polar, with arginine, which is basic and polar, at codon 439 of the GLRA1 protein (p.Lys439Arg). This variant is present in population databases (no rsID available, gnomAD 0.004%). This variant has not been reported in the literature in individuals affected with GLRA1-related conditions. Advanced modeling of protein sequence and biophysical properties (such as structural, functional, and spatial information, amino acid conservation, physicochemical variation, residue mobility, and thermodynamic stability) has been performed at Invitae for this missense variant, however the output from this modeling did not meet the statistical confidence thresholds required to predict the impact of this variant on GLRA1 protein function. In summary, the available evidence is currently insufficient to determine the role of this variant in disease. Therefore, it has been classified as a Variant of Uncertain Significance.

NM_000171.4(GLRA1):c.1316A>G (p.Lys439Arg)

Gene: GLRA1 (glycine receptor alpha 1; minus strand). Cytogenetic location: 5q33.1.
Variant type: single nucleotide variant.
Coding change: c.1316A>G on transcript NM_000171.4 (MANE Select); coding-DNA position 1316, A replaced by G.
Protein change: p.Lys439Arg; replaces lysine 439 with arginine.
Molecular consequence: missense variant.
Genome position (GRCh38, 1-based): chr5:151,822,707, T>C on the plus strand (A>G on the coding strand, the complement: GLRA1 is on the minus strand). VCF-style: chr5-151822707-T-C. GRCh37 (hg19) VCF-style: chr5-151202268-T-C.
Other names: c.1340A>G, p.Lys447Arg (NM_001146040.2); c.1067A>G, p.Lys356Arg (NM_001292000.2); short protein forms K447R, K356R, K439R.
Identifiers: ClinVar variation 2706357 (VCV002706357.3), dbSNP rs1164297673, ClinGen allele CA361849658.